The following is an entry in ClinVar:

NM_003672.4(CDC14A):c.374C>T (p.Pro125Leu)

Gene: CDC14A (cell division cycle 14A; plus strand). Cytogenetic location: 1p21.2.
Variant type: single nucleotide variant.
Coding change: c.374C>T on transcript NM_003672.4 (MANE Select); coding-DNA position 374, C replaced by T.
Protein change: p.Pro125Leu; replaces proline 125 with leucine.
Molecular consequence: missense variant. On other transcripts: 5 prime UTR variant (1).
Genome position (GRCh38, 1-based): chr1:100,424,286, C>T. VCF-style: chr1-100424286-C-T. GRCh37 (hg19) VCF-style: chr1-100889842-C-T.
Other names: c.374C>T, p.Pro125Leu (NM_001319210.2, NM_033312.3, NM_033313.3); c.200C>T, p.Pro67Leu (NM_001319211.2); c.-418C>T (NM_001319212.2); c.374C>T (NM_033312.2); short protein forms P125L, P67L.
Identifiers: ClinVar variation 2571790 (VCV002571790.4), dbSNP rs200941208, ClinGen allele CA970544.
Genomic context (GRCh38, chr1:100,424,286, plus strand): 5'-TCTATTTAAAGAAGACACCAGAAGAAGCCTACAGAGCACTCCTGTCTGGCTCAAACCCCC[C>T]CTATCTTCCATTCAGGTATAACTCCTGGTGAGACTTGGGTTAAACTTTTGCTACAGAGCT-3'
Protein context (NP_003663.2, residues 115-135): YRALLSGSNP[Pro125Leu]YLPFRDASFG

ClinVar aggregate classification (germline): Uncertain significance. Review status: criteria provided, multiple submitters, no conflicts (2 of 4 stars). 3 submissions from 3 submitters: Uncertain significance (3). Last evaluated 2025-10-14.

Conditions:
CDC14A-related disorder. Also called: CDC14A-related condition.

Allele frequency attached by ClinVar (database versions not stated): ESP Exome Variant Server 0.00008.
gnomAD v4.1: 82 of 1,613,096 alleles (0.0051%); highest among the groups gnomAD compares: African/African-American, 0.02%; no homozygotes.

Submissions (3):

PreventionGenetics, part of Exact Sciences
Classification: Uncertain significance for CDC14A-related condition. Last evaluated: 2025-10-14. Review status: criteria provided, single submitter. Criteria: ACMG Guidelines, 2015. Collection method: clinical testing. Allele origin: germline.
Comment: The CDC14A c.374C>T variant is predicted to result in the amino acid substitution p.Pro125Leu. To our knowledge, this variant has not been reported in the literature. This variant is reported in 0.048% of alleles in individuals of Ashkenazi Jewish descent in gnomAD. At this time, the clinical significance of this variant is uncertain due to the absence of conclusive functional and genetic evidence.

Blueprint Genetics
Classification: Uncertain significance. Last evaluated: 2024-10-15. Review status: criteria provided, single submitter. Criteria: ACMG Guidelines, 2015. Collection method: clinical testing. Allele origin: germline.

GeneDx
Classification: Uncertain significance. Last evaluated: 2024-08-14. Review status: criteria provided, single submitter. Criteria: GeneDx Variant Classification Process June 2021. Collection method: clinical testing. Allele origin: germline. Affected: yes.
Comment: In silico analysis supports that this missense variant has a deleterious effect on protein structure/function; Has not been previously published as pathogenic or benign to our knowledge